The following is an entry in ClinVar:

NM_004006.3(DMD):c.9856A>T (p.Arg3286Ter)

Gene: DMD (dystrophin; minus strand). Cytogenetic location: Xp21.2.
Variant type: single nucleotide variant.
Coding change: c.9856A>T on transcript NM_004006.3 (MANE Select); coding-DNA position 9856, A replaced by T.
Protein change: p.Arg3286Ter; replaces arginine 3286 with a stop codon.
Molecular consequence: nonsense.
Genome position (GRCh38, 1-based): chrX:31,182,856, T>A on the plus strand (A>T on the coding strand, the complement: DMD is on the minus strand). VCF-style: chrX-31182856-T-A. GRCh37 (hg19) VCF-style: chrX-31200973-T-A.
Other names: c.9832A>T, p.Arg3278Ter (NM_000109.4); c.9844A>T, p.Arg3282Ter (NM_004009.3); c.9487A>T, p.Arg3163Ter (NM_004010.3); c.5833A>T, p.Arg1945Ter (NM_004011.4); c.5824A>T, p.Arg1942Ter (NM_004012.4); c.2476A>T, p.Arg826Ter (NM_004013.3, NM_004020.4, NM_004021.3 and 2 more transcripts); c.1669A>T, p.Arg557Ter (NM_004014.3); c.652A>T, p.Arg218Ter (NM_004015.3, NM_004016.3, NM_004017.3 and 2 more transcripts); short protein forms R1942*, R1945*, R218*, R3163*, R3278*, R3282*, R3286*, R557*.
Identifiers: ClinVar variation 1725520 (VCV001725520.3), dbSNP rs2520024317, ClinGen allele CA412653523.

ClinVar aggregate classification (germline): Likely pathogenic (1 of 4 stars; one submission).

Conditions:
Progressive muscular dystrophy. Identifiers: Orphanet 206644, MedGen C4551827, MONDO:0016106.

Submission:

Myriad Genetics, Inc.
Classification: Likely pathogenic for Progressive muscular dystrophy. Last evaluated: 2022-03-29. Review status: criteria provided, single submitter. Criteria: Myriad Autosomal Dominant, Autosomal Recessive and X-Linked Classification Criteria (2023). Collection method: clinical testing. Allele origin: unknown.
Comment: NM_004006.2(DMD):c.9856A>T(R3286*) is expected to be pathogenic in the context of dystrophinopathy (including Duchenne/Becker muscular dystrophy). This variant is predicted to lead to an abnormal or absent protein product due to the creation of a premature termination codon in DMD, a gene where loss-of-function variants are known to be pathogenic. Please note: this variant was assessed in the context of healthy population screening.